The following is an entry in ClinVar:

ClinVar aggregate classification (germline): Conflicting classifications of pathogenicity. Review status: criteria provided, conflicting classifications (1 of 4 stars). 2 submissions from 2 submitters: Uncertain significance (1); Likely benign (1). Last evaluated 2026-08-06.

Conditions:
Hereditary cancer-predisposing syndrome. Also called: Hereditary Cancer Syndrome; Neoplastic Syndromes, Hereditary; Hereditary neoplastic syndrome; Tumor predisposition. Identifiers: Orphanet 140162, MedGen C0027672, MeSH D009386, MONDO:0015356.
Cardiovascular phenotype. Identifiers: MedGen CN230736.
Neurofibromatosis, type 1 (NF1). Also called: Peripheral type neurofibromatosis; VON RECKLINGHAUSEN DISEASE; NEUROFIBROMATOSIS, TYPE I, SOMATIC; Neurofibromatosis, type I. Identifiers: Orphanet 636, MedGen C0027831, MONDO:0018975, OMIM 162200. Disease mechanism: loss of function.

gnomAD v4.1: 2 of 1,613,950 alleles (0.00012%); highest among the groups gnomAD compares: Non-Finnish European, 0.000085%; no homozygotes.

Submissions (2):

Ambry Genetics
Classification: Likely benign for Cardiovascular phenotype; Hereditary cancer-predisposing syndrome. Last evaluated: 2026-08-06. Review status: criteria provided, single submitter. Criteria: Ambry Variant Classification Scheme 2023. Collection method: clinical testing. Allele origin: germline.

Labcorp Genetics (formerly Invitae), Labcorp
Classification: Uncertain significance for Neurofibromatosis, type 1. Last evaluated: 2024-07-16. Review status: criteria provided, single submitter. Criteria: Invitae Variant Classification Sherloc (09022015). Collection method: clinical testing. Allele origin: germline.
Comment: This sequence change replaces valine, which is neutral and non-polar, with leucine, which is neutral and non-polar, at codon 2577 of the NF1 protein (p.Val2577Leu). This variant is not present in population databases (gnomAD no frequency). This variant has not been reported in the literature in individuals affected with NF1-related conditions. ClinVar contains an entry for this variant (Variation ID: 1351189). Advanced modeling of protein sequence and biophysical properties (such as structural, functional, and spatial information, amino acid conservation, physicochemical variation, residue mobility, and thermodynamic stability) performed at Invitae indicates that this missense variant is not expected to disrupt NF1 protein function with a negative predictive value of 95%. In summary, the available evidence is currently insufficient to determine the role of this variant in disease. Therefore, it has been classified as a Variant of Uncertain Significance.

NM_001042492.3(NF1):c.7792G>T (p.Val2598Leu)

Gene: NF1 (neurofibromin 1; plus strand). Cytogenetic location: 17q11.2.
Variant type: single nucleotide variant.
Coding change: c.7792G>T on transcript NM_001042492.3 (MANE Select); coding-DNA position 7792, G replaced by T.
Protein change: p.Val2598Leu; replaces valine 2598 with leucine.
Molecular consequence: missense variant.
Genome position (GRCh38, 1-based): chr17:31,357,013, G>T. VCF-style: chr17-31357013-G-T. GRCh37 (hg19) VCF-style: chr17-29684031-G-T.
Other names: c.7729G>T, p.Val2577Leu (NM_000267.4); short protein forms V2577L, V2598L.
Identifiers: ClinVar variation 1351189 (VCV001351189.12), dbSNP rs2151582315, ClinGen allele CA399018480.